The following is an entry in ClinVar:

NM_001853.4(COL9A3):c.1000G>C (p.Gly334Arg)

Gene: COL9A3 (collagen type IX alpha 3 chain; plus strand). Cytogenetic location: 20q13.33.
Variant type: single nucleotide variant.
Coding change: c.1000G>C on transcript NM_001853.4 (MANE Select); coding-DNA position 1000, G replaced by C.
Protein change: p.Gly334Arg; replaces glycine 334 with arginine.
Molecular consequence: missense variant.
Genome position (GRCh38, 1-based): chr20:62,828,968, G>C. VCF-style: chr20-62828968-G-C. GRCh37 (hg19) VCF-style: chr20-61460320-G-C.
Other names: short protein forms G334R.
Identifiers: ClinVar variation 3637719 (VCV003637719.2).

ClinVar aggregate classification (germline): Uncertain significance (1 of 4 stars; one submission).

Submission:

Labcorp Genetics (formerly Invitae), Labcorp
Classification: Uncertain significance. Last evaluated: 2024-08-22. Review status: criteria provided, single submitter. Criteria: Invitae Variant Classification Sherloc (09022015). Collection method: clinical testing. Allele origin: germline.
Comment: This sequence change replaces glycine, which is neutral and non-polar, with arginine, which is basic and polar, at codon 334 of the COL9A3 protein (p.Gly334Arg). This variant is not present in population databases (gnomAD no frequency). This variant has not been reported in the literature in individuals affected with COL9A3-related conditions. Invitae Evidence Modeling of protein sequence and biophysical properties (such as structural, functional, and spatial information, amino acid conservation, physicochemical variation, residue mobility, and thermodynamic stability) indicates that this missense variant is expected to disrupt COL9A3 protein function with a positive predictive value of 95%. In summary, the available evidence is currently insufficient to determine the role of this variant in disease. Therefore, it has been classified as a Variant of Uncertain Significance.